The following is an entry in ClinVar:

ClinVar aggregate classification (germline): Conflicting classifications of pathogenicity. Review status: criteria provided, conflicting classifications (1 of 4 stars). 2 submissions from 1 submitter: Uncertain significance (1); Benign (1). Last evaluated 2018-01-13.

Conditions:
Optic atrophy 3 (OPA3). Also called: OPTIC ATROPHY 3, AUTOSOMAL DOMINANT; Optic atrophy, cataract, and neurologic disorder; Optic atrophy 3 with cataract. Identifiers: Orphanet 67036, MedGen C1833809, MONDO:0008133, OMIM 165300.
3-Methylglutaconic aciduria type 3 (MGCA3). Also called: OPA3, AUTOSOMAL RECESSIVE; OPTIC ATROPHY 3, AUTOSOMAL RECESSIVE; Costeff Syndrome; OPA3-Related 3-Methylglutaconic Aciduria. Identifiers: Orphanet 67047, MedGen C0574084, MONDO:0009787, OMIM 258501.

Allele frequency attached by ClinVar (database versions not stated): gnomAD 0.00002 and 0.00003; TOPMed 0.00007; 1000 Genomes Project 30x 0.00031; 1000 Genomes Project 0.00040.
gnomAD v4.1: 5 of 152,232 alleles (0.0033%); highest among the groups gnomAD compares: Admixed American, 0.033%; no homozygotes.

Submissions (2):

Illumina Laboratory Services, Illumina
Classification: Benign for Optic atrophy 3. Last evaluated: 2018-01-13. Review status: criteria provided, single submitter. Criteria: ICSL Variant Classification Criteria 13 December 2019. Collection method: clinical testing. Allele origin: germline.
Comment: This variant was observed in the ICSL laboratory as part of a predisposition screen in an ostensibly healthy population. It had not been previously curated by ICSL or reported in the Human Gene Mutation Database (HGMD: prior to June 1st, 2018), and was therefore a candidate for classification through an automated scoring system. Utilizing variant allele frequency, disease prevalence and penetrance estimates, and inheritance mode, an automated score was calculated to assess if this variant is too frequent to cause the disease. Based on the score and internal cut-off values, a variant classified as benign is not then subjected to further curation. The score for this variant resulted in a classification of benign for this disease.

Illumina Laboratory Services, Illumina
Classification: Uncertain significance for 3-Methylglutaconic aciduria type 3. Last evaluated: 2018-01-13. Review status: criteria provided, single submitter. Criteria: ICSL Variant Classification Criteria 13 December 2019. Collection method: clinical testing. Allele origin: germline.

NM_025136.4(OPA3):c.*5783G>A

Genes: OPA3 (outer mitochondrial membrane lipid metabolism regulator OPA3; minus strand), OPA3-RTN2 (OPA3-RTN2 readthrough; minus strand). Cytogenetic location: 19q13.32.
Variant type: single nucleotide variant.
Coding change: c.*5783G>A on transcript NM_025136.4 (MANE Select); 5783 bases downstream of the stop codon, G replaced by A.
Molecular consequence: 3 prime UTR variant. On other transcripts: intron variant (1).
Genome position (GRCh38, 1-based): chr19:45,547,731, C>T on the plus strand (G>A on the coding strand, the complement: OPA3 is on the minus strand). VCF-style: chr19-45547731-C-T. GRCh37 (hg19) VCF-style: chr19-46050989-C-T.
Other names: c.143-18275G>A (NM_001017989.3).
Identifiers: ClinVar variation 329579 (VCV000329579.5), dbSNP rs550679720, ClinGen allele CA10642972.
Genomic context (GRCh38, chr19:45,547,731, plus strand): 5'-GTCCTCATCACCCTATGCTGGATTAGCTTTTTCCTTTTTTTTTTGAGATGGAGTCTCGTT[C>T]TTGTTGCCCAGGCTGGAGTGCAATGGTGCAATATTGGCTCACCGCAACCTCCGCCTCCCG-3'